The following is an entry in ClinVar:

ClinVar aggregate classification (germline): Uncertain significance (1 of 4 stars; one submission).

Conditions:
Developmental and epileptic encephalopathy, 23 (DEE23). Also called: Epileptic encephalopathy, early infantile, 23. Identifiers: Orphanet 411986, MedGen C4014492, MONDO:0014371, OMIM 615859.

Allele frequency attached by ClinVar (database versions not stated): gnomAD exomes below 0.00001.
gnomAD v4.1: 1 of 1,603,476 alleles (0.000062%); highest among the groups gnomAD compares: Non-Finnish European, 0.000085%; no homozygotes.

Submission:

Labcorp Genetics (formerly Invitae), Labcorp
Classification: Uncertain significance for Developmental and epileptic encephalopathy, 23. Last evaluated: 2022-04-18. Review status: criteria provided, single submitter. Criteria: Invitae Variant Classification Sherloc (09022015). Collection method: clinical testing. Allele origin: germline.
Comment: In summary, the available evidence is currently insufficient to determine the role of this variant in disease. Therefore, it has been classified as a Variant of Uncertain Significance. Algorithms developed to predict the effect of missense changes on protein structure and function are either unavailable or do not agree on the potential impact of this missense change (SIFT: "Deleterious"; PolyPhen-2: "Probably Damaging"; Align-GVGD: "Class C0"). This variant has not been reported in the literature in individuals affected with DOCK7-related conditions. This variant is not present in population databases (gnomAD no frequency). This sequence change replaces cysteine, which is neutral and slightly polar, with tyrosine, which is neutral and polar, at codon 269 of the DOCK7 protein (p.Cys269Tyr).

NM_001367561.1(DOCK7):c.806G>A (p.Cys269Tyr)

Gene: DOCK7 (dedicator of cytokinesis 7; minus strand). Cytogenetic location: 1p31.3.
Variant type: single nucleotide variant.
Coding change: c.806G>A on transcript NM_001367561.1 (MANE Select); coding-DNA position 806, G replaced by A.
Protein change: p.Cys269Tyr; replaces cysteine 269 with tyrosine.
Molecular consequence: missense variant.
Genome position (GRCh38, 1-based): chr1:62,647,703, C>T on the plus strand (G>A on the coding strand, the complement: DOCK7 is on the minus strand). VCF-style: chr1-62647703-C-T. GRCh37 (hg19) VCF-style: chr1-63113374-C-T.
Other names: c.806G>A, p.Cys269Tyr (NM_001271999.2, NM_001272000.2, NM_001272001.2 and 3 more transcripts); short protein forms C269Y.
Identifiers: ClinVar variation 2127512 (VCV002127512.4), dbSNP rs2523266151, ClinGen allele CA340626192.